The following is an entry in ClinVar:

NC_000022.10:g.(?_30051485)_30051628del

Gene: NF2 (NF2, moesin-ezrin-radixin like (MERLIN) tumor suppressor; plus strand).
Variant type: Deletion.
Identifiers: ClinVar variation 1072529 (VCV001072529.2).

ClinVar aggregate classification (germline): Pathogenic (1 of 4 stars; one submission).

Conditions:
Neurofibromatosis, type 2 (SWNV). Also called: BILATERAL ACOUSTIC NEUROFIBROMATOSIS; SCHWANNOMATOSIS, VESTIBULAR; NF2-Related Schwannomatosis. Identifiers: Orphanet 637, MedGen C0027832, MONDO:0007039, OMIM 101000. Disease mechanism: loss of function.

Submission:

Labcorp Genetics (formerly Invitae), Labcorp
Classification: Pathogenic for Neurofibromatosis, type 2. Last evaluated: 2018-10-31. Review status: criteria provided, single submitter. Criteria: Invitae Variant Classification Sherloc (09022015). Collection method: clinical testing. Allele origin: germline.
Comment: This variant is a gross deletion of the genomic region encompassing part of exon 6 (c.517-92_568del) of the NF2 gene. It is expected to disrupt RNA splicing and likely results in an absent or disrupted protein product. Loss-of-function variants in NF2 are known to be pathogenic (PMID: 9643284, 16983642). For these reasons, this variant has been classified as Pathogenic.

Literature cited by the submitters: PubMed 9643284; PubMed 16983642.